The following is an entry in ClinVar:

NM_004444.5(EPHB4):c.2679-1G>C

Gene: EPHB4 (EPH receptor B4; minus strand). Cytogenetic location: 7q22.1.
Variant type: single nucleotide variant.
Coding change: c.2679-1G>C on transcript NM_004444.5 (MANE Select); the canonical splice acceptor site of the intron before coding-DNA position 2679, G replaced by C.
Molecular consequence: splice acceptor variant.
Genome position (GRCh38, 1-based): chr7:100,805,322, C>G on the plus strand (G>C on the coding strand, the complement: EPHB4 is on the minus strand). VCF-style: chr7-100805322-C-G. GRCh37 (hg19) VCF-style: chr7-100402944-C-G.
Identifiers: ClinVar variation 4728044 (VCV004728044.1).
Genomic context (GRCh38, chr7:100,805,322, plus strand): 5'-CCCACAGAGCCAAAAGCTGAGTAGTGAGGCTGCCGCTGGTCCAGGAGAGGGTGTGAGGCC[C>G]TAGGGGGCAAGGATGGGGAGGAATGCTGAGTACCAGGCCCAGGTCCGGGGGAGGAGGTGG-3'

ClinVar aggregate classification (germline): Likely pathogenic (1 of 4 stars; one submission).

Submission:

Labcorp Genetics (formerly Invitae), Labcorp
Classification: Likely pathogenic. Last evaluated: 2025-09-28. Review status: criteria provided, single submitter. Criteria: Invitae Variant Classification Sherloc (09022015). Collection method: clinical testing. Allele origin: germline.
Comment: This sequence change affects an acceptor splice site in intron 15 of the EPHB4 gene. It is expected to disrupt RNA splicing. Variants that disrupt the donor or acceptor splice site typically lead to a loss of protein function (PMID: 16199547), and loss-of-function variants in EPHB4 are known to be pathogenic (PMID: 28687708). This variant is not present in population databases (gnomAD no frequency). This variant has not been reported in the literature in individuals affected with EPHB4-related conditions. Algorithms developed to predict the effect of sequence changes on RNA splicing suggest that this variant may disrupt the consensus splice site. In summary, the currently available evidence indicates that the variant is pathogenic, but additional data are needed to prove that conclusively. Therefore, this variant has been classified as Likely Pathogenic.

Literature cited by the submitters: PubMed 16199547; PubMed 28687708.